The following is an entry in ClinVar:

NM_001943.5(DSG2):c.38T>G (p.Leu13Arg)

Genes: DSG2 (desmoglein 2; plus strand), LOC130062340 (ATAC-STARR-seq lymphoblastoid silent region 9384; plus strand). Cytogenetic location: 18q12.1.
Variant type: single nucleotide variant.
Coding change: c.38T>G on transcript NM_001943.5 (MANE Select); coding-DNA position 38, T replaced by G.
Protein change: p.Leu13Arg; replaces leucine 13 with arginine.
Molecular consequence: missense variant.
Genome position (GRCh38, 1-based): chr18:31,498,289, T>G. VCF-style: chr18-31498289-T-G. GRCh37 (hg19) VCF-style: chr18-29078252-T-G.
Other names: c.38T>G (NM_001943.3); short protein forms L13R.
Identifiers: ClinVar variation 628323 (VCV000628323.8), dbSNP rs1436566666, ClinGen allele CA402127642.

ClinVar aggregate classification (germline): Uncertain significance. Review status: criteria provided, multiple submitters, no conflicts (2 of 4 stars). 3 submissions from 3 submitters: Uncertain significance (3). Last evaluated 2024-03-06.

Conditions:
Cardiovascular phenotype. Identifiers: MedGen CN230736.
Arrhythmogenic right ventricular cardiomyopathy (ARVD). Also called: Arrhythmogenic cardiomyopathy; Cardiomyopathy, ARVC; Arrhythmogenic right ventricular dysplasia; Arrhythmogenic Right Ventricular Cardiomyopathy (ARVC). Identifiers: Orphanet 247, MedGen C0349788, MeSH D019571, MONDO:0016587. Disease mechanism: loss of function. Inheritance: Various modes of inheritance.
Cardiomyopathy (CMYO). Also called: Cardiomyopathies. Identifiers: Orphanet 167848, MedGen C0878544, MONDO:0004994, HP:0001638. Inheritance: Various modes of inheritance.

Allele frequency attached by ClinVar (database versions not stated): TOPMed below 0.00001.

Submissions (3):

Color Diagnostics, LLC DBA Color Health
Classification: Uncertain significance for Cardiomyopathy. Last evaluated: 2024-03-06. Review status: criteria provided, single submitter. Criteria: ACMG Guidelines, 2015. Collection method: clinical testing. Allele origin: germline.
Comment: This missense variant replaces leucine with arginine at codon 13 of the DSG2 protein. Computational prediction suggests that this variant may not impact protein structure and function (internally defined REVEL score threshold <= 0.5, PMID: 27666373). To our knowledge, functional studies have not been reported for this variant. This variant has not been reported in individuals affected with DSG2-related disorders in the literature. This variant has not been identified in the general population by the Genome Aggregation Database (gnomAD). The available evidence is insufficient to determine the role of this variant in disease conclusively. Therefore, this variant is classified as a Variant of Uncertain Significance.

Ambry Genetics
Classification: Uncertain significance for Cardiovascular phenotype. Last evaluated: 2023-10-02. Review status: criteria provided, single submitter. Criteria: Ambry Variant Classification Scheme 2023. Collection method: clinical testing. Allele origin: germline.

All of Us Research Program, National Institutes of Health
Classification: Uncertain significance for Arrhythmogenic right ventricular cardiomyopathy. Last evaluated: 2023-02-24. Review status: criteria provided, single submitter. Criteria: ACMG Guidelines, 2015. Collection method: clinical testing. Allele origin: germline. Inheritance: Autosomal dominant inheritance. Observed: 1 variant allele, 1 heterozygote.
Comment: This missense variant replaces leucine with arginine at codon 13 of the DSG2 protein. Computational prediction suggests that this variant may not impact protein structure and function (internally defined REVEL score threshold <= 0.5, PMID: 27666373). To our knowledge, functional studies have not been reported for this variant. This variant has not been reported in individuals affected with DSG2-related disorders in the literature. This variant has not been identified in the general population by the Genome Aggregation Database (gnomAD). The available evidence is insufficient to determine the role of this variant in disease conclusively. Therefore, this variant is classified as a Variant of Uncertain Significance.

This study involves interpretation of variants in research participants for the purpose of population health screening. Participant phenotype was not available at the time of variant classification. Additional details can be found in publication PMID: 35346344, PMCID: PMC8962531